The following is an entry in ClinVar:

ClinVar aggregate classification (germline): Uncertain significance (1 of 4 stars; one submission).

Submission:

GeneDx
Classification: Uncertain significance. Last evaluated: 2018-11-12. Review status: criteria provided, single submitter. Criteria: GeneDx Variant Classification (06012015). Collection method: clinical testing. Allele origin: germline. Affected: yes.
Comment: The V3078L variant in the MYO15A gene has not been reported previously as a pathogenic variant, nor as a benign variant, to our knowledge. The V3078L variant is not observed in large population cohorts (Lek et al., 2016; 1000 Genomes Consortium et al., 2015; Exome Variant Server). The V3078L variant is a conservative amino acid substitution, which is not likely to impact secondary protein structure as these residues share similar properties. This substitution occurs at a position where amino acids with similar properties to Valine are tolerated across species. In silico analysis is inconsistent in its predictions as to whether or not the variant is damaging to the protein structure/function. We interpret V3078L as a variant of uncertain significance.

NM_016239.4(MYO15A):c.9232G>C (p.Val3078Leu)

Gene: MYO15A (myosin XVA; plus strand). Cytogenetic location: 17p11.2.
Variant type: single nucleotide variant.
Coding change: c.9232G>C on transcript NM_016239.4 (MANE Select); coding-DNA position 9232, G replaced by C.
Protein change: p.Val3078Leu; replaces valine 3078 with leucine.
Molecular consequence: missense variant.
Genome position (GRCh38, 1-based): chr17:18,159,608, G>C. VCF-style: chr17-18159608-G-C. GRCh37 (hg19) VCF-style: chr17-18062922-G-C.
Other names: short protein forms V3078L.
Identifiers: ClinVar variation 429945 (VCV000429945.2), dbSNP rs1131691689, ClinGen allele CA398634264.